The following is an entry in ClinVar:

NM_000179.3(MSH6):c.3083C>G (p.Ser1028Ter)

Gene: MSH6 (mutS homolog 6; plus strand). Cytogenetic location: 2p16.3.
Variant type: single nucleotide variant.
Coding change: c.3083C>G on transcript NM_000179.3 (MANE Select); coding-DNA position 3083, C replaced by G.
Protein change: p.Ser1028Ter; replaces serine 1028 with a stop codon.
Molecular consequence: nonsense.
Genome position (GRCh38, 1-based): chr2:47,801,066, C>G. VCF-style: chr2-47801066-C-G. GRCh37 (hg19) VCF-style: chr2-48028205-C-G.
Other names: c.2693C>G, p.Ser898Ter (NM_001281492.2); c.2177C>G, p.Ser726Ter (NM_001281493.2, NM_001281494.2); short protein forms S1028*, S726*, S898*.
Identifiers: ClinVar variation 421754 (VCV000421754.15), dbSNP rs876660853, ClinGen allele CA16617691.

ClinVar aggregate classification (germline): Pathogenic. Review status: criteria provided, multiple submitters, no conflicts (2 of 4 stars). 4 submissions from 4 submitters: Pathogenic (4). Last evaluated 2025-03-07.

Conditions:
Hereditary nonpolyposis colorectal neoplasms. Identifiers: MedGen C0009405, MeSH D003123.
Hereditary cancer-predisposing syndrome. Also called: Hereditary neoplastic syndrome; Neoplastic Syndromes, Hereditary; Tumor predisposition; Hereditary Cancer Syndrome. Identifiers: Orphanet 140162, MedGen C0027672, MeSH D009386, MONDO:0015356.
Lynch syndrome 5 (LYNCH5). Also called: Hereditary non-polyposis colorectal cancer, type 5; Colorectal cancer, hereditary nonpolyposis, type 5. Identifiers: Orphanet 144, MedGen C1833477, MONDO:0013710, OMIM 614350. Disease mechanism: loss of function.

Submissions (4):

Ambry Genetics
Classification: Pathogenic for Hereditary cancer-predisposing syndrome. Last evaluated: 2025-03-07. Review status: criteria provided, single submitter. Criteria: Ambry Variant Classification Scheme 2023. Collection method: clinical testing. Allele origin: germline.
Comment: The p.S1028* pathogenic mutation (also known as c.3083C>G), located in coding exon 4 of the MSH6 gene, results from a C to G substitution at nucleotide position 3083. This changes the amino acid from a serine to a stop codon within coding exon 4. This variant has been identified in a patient with MSH6 deficient ovarian cancer (Kim SR et al. Cancer, 2020 11;126:4886-4894). This variant is considered to be rare based on population cohorts in the Genome Aggregation Database (gnomAD). In addition to the clinical data presented in the literature, this alteration is expected to result in loss of function by premature protein truncation or nonsense-mediated mRNA decay. As such, this alteration is interpreted as a disease-causing mutation.

Labcorp Genetics (formerly Invitae), Labcorp
Classification: Pathogenic for Hereditary nonpolyposis colorectal neoplasms. Last evaluated: 2024-10-04. Review status: criteria provided, single submitter. Criteria: Invitae Variant Classification Sherloc (09022015). Collection method: clinical testing. Allele origin: germline.
Comment: This sequence change creates a premature translational stop signal (p.Ser1028*) in the MSH6 gene. It is expected to result in an absent or disrupted protein product. Loss-of-function variants in MSH6 are known to be pathogenic (PMID: 18269114, 24362816). This variant is not present in population databases (gnomAD no frequency). This premature translational stop signal has been observed in individual(s) with endometrial cancer (PMID: 23104009). ClinVar contains an entry for this variant (Variation ID: 421754). For these reasons, this variant has been classified as Pathogenic.

Myriad Genetics, Inc.
Classification: Pathogenic for Lynch syndrome 5. Last evaluated: 2023-08-22. Review status: criteria provided, single submitter. Criteria: Myriad Autosomal Dominant, Autosomal Recessive and X-Linked Classification Criteria (2023). Collection method: clinical testing. Allele origin: unknown.
Comment: This variant is considered pathogenic. This variant creates a termination codon and is predicted to result in premature protein truncation.

GeneDx
Classification: Pathogenic. Last evaluated: 2016-07-25. Review status: criteria provided, single submitter. Criteria: GeneDx Variant Classification (06012015). Collection method: clinical testing. Allele origin: germline. Affected: yes.
Comment: This variant is denoted MSH6 c.3083C>G at the cDNA level and p.Ser1028Ter (S1028X) at the protein level. The substitution creates a nonsense variant, which changes a Serine to a premature stop codon (TCA>TGA), and is predicted to cause loss of normal protein function through either protein truncation or nonsense-mediated mRNA decay. This variant has been reported in at least one individual with endometrial cancer (Le Gallo 2012) and is considered pathogenic.

Literature cited by the submitters: PubMed 32809219 (cited by Ambry Genetics); PubMed 18269114 (cited by Labcorp Genetics (formerly Invitae), Labcorp); PubMed 24362816 (cited by Labcorp Genetics (formerly Invitae), Labcorp); PubMed 23104009 (cited by Labcorp Genetics (formerly Invitae), Labcorp).